The following is an entry in ClinVar:

NM_001159699.2(FHL1):c.379+2T>G

Gene: FHL1 (four and a half LIM domains 1; plus strand). Cytogenetic location: Xq26.3.
Variant type: single nucleotide variant.
Coding change: c.379+2T>G on transcript NM_001159699.2 (MANE Select); the canonical splice donor site of the intron after coding-DNA position 379, T replaced by G.
Molecular consequence: splice donor variant.
Genome position (GRCh38, 1-based): chrX:136,207,192, T>G. VCF-style: chrX-136207192-T-G. GRCh37 (hg19) VCF-style: chrX-135289351-T-G.
Other names: c.331+2T>G (NM_001159702.3, NM_001449.5, NM_001159703.2 and 9 more transcripts); c.418+2T>G (NM_001159701.2); c.379+2T>G (NM_001330659.2).
Identifiers: ClinVar variation 3705901 (VCV003705901.3).

ClinVar aggregate classification (germline): Pathogenic (1 of 4 stars; one submission).

Conditions:
X-linked myopathy with postural muscle atrophy. Also called: FHL1-Related Emery-Dreifuss Muscular Dystrophy, X-Linked. Identifiers: Orphanet 178461, MedGen C2678055, MONDO:0010401, OMIM 300696.

Submissions (5):

Labcorp Genetics (formerly Invitae), Labcorp
Classification: Pathogenic for X-linked myopathy with postural muscle atrophy. Last evaluated: 2024-05-29. Review status: criteria provided, single submitter. Criteria: Invitae Variant Classification Sherloc (09022015). Collection method: clinical testing. Allele origin: germline.
Comment: This sequence change affects a donor splice site in intron 4 of the FHL1 gene. It is expected to disrupt RNA splicing. Variants that disrupt the donor or acceptor splice site typically lead to a loss of protein function (PMID: 16199547), and loss-of-function variants in FHL1 are known to be pathogenic (PMID: 18179888, 19687455, 19716112, 22523091, 24114807). The frequency data for this variant in the population databases is considered unreliable, as metrics indicate poor data quality at this position in the gnomAD database. Disruption of this splice site has been observed in individual(s) with FHL1-related conditions (Invitae). In at least one individual the variant was observed to be de novo. Algorithms developed to predict the effect of sequence changes on RNA splicing suggest that this variant may disrupt the consensus splice site. For these reasons, this variant has been classified as Pathogenic.

Dr. Peter K. Rogan Lab, Western University
No classification provided (evidence only). Condition: Nonpapillary renal cell carcinoma. Review status: no classification provided. Collection method: in vitro. Allele origin: not applicable. Functional consequence: retained intron. Not counted in ClinVar's aggregate classification.

Dr. Peter K. Rogan Lab, Western University
No classification provided (evidence only). Condition: Nonpapillary renal cell carcinoma. Review status: no classification provided. Collection method: in vitro. Allele origin: not applicable. Functional consequence: retained intron. Not counted in ClinVar's aggregate classification.

Dr. Peter K. Rogan Lab, Western University
No classification provided (evidence only). Condition: Nonpapillary renal cell carcinoma. Review status: no classification provided. Collection method: in vitro. Allele origin: not applicable. Functional consequence: retained intron. Not counted in ClinVar's aggregate classification.

Dr. Peter K. Rogan Lab, Western University
No classification provided (evidence only). Condition: Nonpapillary renal cell carcinoma. Review status: no classification provided. Collection method: in vitro. Allele origin: not applicable. Functional consequence: retained intron. Not counted in ClinVar's aggregate classification.

Literature cited by the submitters: PubMed 16199547 (cited by Labcorp Genetics (formerly Invitae), Labcorp); PubMed 18179888 (cited by Labcorp Genetics (formerly Invitae), Labcorp); PubMed 19687455 (cited by Labcorp Genetics (formerly Invitae), Labcorp); PubMed 19716112 (cited by Labcorp Genetics (formerly Invitae), Labcorp); PubMed 22523091 (cited by Labcorp Genetics (formerly Invitae), Labcorp); PubMed 24114807 (cited by Labcorp Genetics (formerly Invitae), Labcorp).